The following is an entry in ClinVar:

ClinVar aggregate classification (germline): Conflicting classifications of pathogenicity. Review status: criteria provided, conflicting classifications (1 of 4 stars). 2 submissions from 2 submitters: Uncertain significance (1); Likely benign (1). Last evaluated 2024-04-08.

Conditions:
Combined immunodeficiency due to OX40 deficiency. Also called: OX40 DEFICIENCY; Immunodeficiency 16. Identifiers: Orphanet 431149, MedGen C3810053, MONDO:0014268, OMIM 615593.

Allele frequency attached by ClinVar (database versions not stated): gnomAD exomes 0.00001 and 0.00006; TOPMed 0.00002; ExAC 0.00003; gnomAD 0.00004.
gnomAD v4.1: 20 of 1,523,406 alleles (0.0013%); highest among the groups gnomAD compares: East Asian, 0.047%; 1 homozygote.

Submissions (2):

Ambry Genetics
Classification: Likely benign. Last evaluated: 2024-04-08. Review status: criteria provided, single submitter. Criteria: Ambry Variant Classification Scheme 2023. Collection method: clinical testing. Allele origin: germline.

Labcorp Genetics (formerly Invitae), Labcorp
Classification: Uncertain significance for Combined immunodeficiency due to OX40 deficiency. Last evaluated: 2022-07-18. Review status: criteria provided, single submitter. Criteria: Invitae Variant Classification Sherloc (09022015). Collection method: clinical testing. Allele origin: germline.
Comment: In summary, the available evidence is currently insufficient to determine the role of this variant in disease. Therefore, it has been classified as a Variant of Uncertain Significance. Algorithms developed to predict the effect of missense changes on protein structure and function output the following: SIFT: "Tolerated"; PolyPhen-2: "Benign"; Align-GVGD: "Class C0". The histidine amino acid residue is found in multiple mammalian species, which suggests that this missense change does not adversely affect protein function. ClinVar contains an entry for this variant (Variation ID: 966997). This variant has not been reported in the literature in individuals affected with TNFRSF4-related conditions. This variant is present in population databases (rs762071902, gnomAD 0.1%), and has an allele count higher than expected for a pathogenic variant. This sequence change replaces glutamine, which is neutral and polar, with histidine, which is basic and polar, at codon 267 of the TNFRSF4 protein (p.Gln267His).

NM_003327.4(TNFRSF4):c.801G>C (p.Gln267His)

Gene: TNFRSF4 (TNF receptor superfamily member 4; minus strand). Cytogenetic location: 1p36.33.
Variant type: single nucleotide variant.
Coding change: c.801G>C on transcript NM_003327.4 (MANE Select); coding-DNA position 801, G replaced by C.
Protein change: p.Gln267His; replaces glutamine 267 with histidine.
Molecular consequence: missense variant.
Genome position (GRCh38, 1-based): chr1:1,211,588, C>G on the plus strand (G>C on the coding strand, the complement: TNFRSF4 is on the minus strand). VCF-style: chr1-1211588-C-G. GRCh37 (hg19) VCF-style: chr1-1146968-C-G.
Other names: short protein forms Q267H.
Identifiers: ClinVar variation 966997 (VCV000966997.8), dbSNP rs762071902, ClinGen allele CA512325.